The following is an entry in ClinVar:

ClinVar aggregate classification (germline): Pathogenic (1 of 4 stars; one submission).

Conditions:
Early-infantile DEE. Also called: Ohtahara syndrome; Early infantile epileptic encephalopathy with suppression bursts; Early infantile epileptic encephalopathy. Identifiers: Orphanet 1934, MedGen C0393706, MONDO:0800491.

Submission:

Labcorp Genetics (formerly Invitae), Labcorp
Classification: Pathogenic for Early-infantile DEE. Last evaluated: 2025-10-11. Review status: criteria provided, single submitter. Criteria: Invitae Variant Classification Sherloc (09022015). Collection method: clinical testing. Allele origin: germline.
Comment: This sequence change creates a premature translational stop signal (p.Ser1546Alafs*3) in the SCN1A gene. It is expected to result in an absent or disrupted protein product. Loss-of-function variants in SCN1A are known to be pathogenic (PMID: 17347258, 18930999). This variant is not present in population databases (gnomAD no frequency). This premature translational stop signal has been observed in individual(s) with SCN1A-related conditions (PMID: 23195492). For these reasons, this variant has been classified as Pathogenic.

Literature cited by the submitters: PubMed 17347258; PubMed 18930999; PubMed 23195492.

NM_001165963.4(SCN1A):c.4636del (p.Ser1546fs)

Genes: SCN1A (sodium voltage-gated channel alpha subunit 1; minus strand), LOC102724058 (uncharacterized LOC102724058; plus strand). Cytogenetic location: 2q24.3.
Variant type: Deletion.
Coding change: c.4636del on transcript NM_001165963.4 (MANE Select); coding-DNA position 4636, one base deleted (A; older notation c.4636delA).
Protein change: p.Ser1546fs; shifts the reading frame from serine 1546.
Molecular consequence: frameshift variant. On other transcripts: non-coding transcript variant (1).
Genome position (GRCh38, 1-based): chr2:165,994,362, T deleted on the plus strand (A on the coding strand, the reverse complement: SCN1A is on the minus strand); the first of 2 consecutive T bases (chr2:165,994,362-165,994,363); deleting either gives the same sequence. VCF-style (leftmost placement, unchanged base first): chr2-165994361-CT-C. GRCh37 (hg19) VCF-style: chr2-166850871-CT-C.
Other names: c.4552del, p.Ser1518fs (NM_001165964.3, NM_001353957.2, NM_001353958.2); c.4636del, p.Ser1546fs (NM_001202435.3, NM_001353948.2); c.4603del, p.Ser1535fs (NM_001353949.2, NM_001353950.2, NM_001353951.2 and 2 more transcripts); c.4600del, p.Ser1534fs (NM_001353954.2, NM_001353955.2); c.4549del, p.Ser1517fs (NM_001353960.2); c.2194del, p.Ser732fs (NM_001353961.2); short protein forms S1517fs, S1518fs, S1534fs, S1535fs, S732fs, S1546fs.
Identifiers: ClinVar variation 4747041 (VCV004747041.1).
Genomic context (GRCh38, chr2:165,994,361, plus strand): 5'-CTCTGGTCATCTGTTTCCACCATCATTGTGACCATGTTAAGACAGATGAGAATCATGATG[CT>C]TATGTCAAAAACTTGTCTGGTTACGAAGTCAAAGACCATTCCTTGAAATTTGTTCTGTAG-3'